The following is an entry in ClinVar:

NM_001005273.3(CHD3):c.3465_3470del (p.Ser1156_Asp1157del)

Gene: CHD3 (chromodomain helicase DNA binding protein 3; plus strand). Cytogenetic location: 17p13.1.
Variant type: Deletion.
Coding change: c.3465_3470del on transcript NM_001005273.3 (MANE Select); coding-DNA positions 3465 to 3470, 6 bases deleted (TTCTGA; older notation c.3465_3470delTTCTGA).
Protein change: p.Ser1156_Asp1157del.
Molecular consequence: inframe deletion.
Genome position (GRCh38, 1-based): chr17:7,903,031-7,903,036, TTCTGA deleted; deleting any 6 consecutive bases within chr17:7,903,028-7,903,036 gives the same sequence; the c. name uses the placement nearest the transcript's 3' end. VCF-style (leftmost placement, unchanged base first): chr17-7903027-TTGATTC-T. GRCh37 (hg19) VCF-style: chr17-7806345-TTGATTC-T.
Other names: c.3642_3647del, p.Ser1215_Asp1216del (NM_001005271.3); c.3465_3470del, p.Ser1156_Asp1157del (NM_005852.4).
Identifiers: ClinVar variation 3349225 (VCV003349225.1).

ClinVar aggregate classification (germline): Likely pathogenic (0 of 4 stars; one submission).

Conditions:
CHD3-related disorder. Also called: CHD3-related condition.

Submission:

PreventionGenetics, part of Exact Sciences
Classification: Likely pathogenic for CHD3-related condition. Last evaluated: 2024-09-26. Review status: no assertion criteria provided. Collection method: clinical testing. Allele origin: germline.
Comment: The CHD3 c.3642_3647del6 variant is predicted to result in an in-frame deletion (p.Ser1215_Asp1216del). To our knowledge, this variant has not been reported in the literature or in a large population database, indicating this variant is rare. Other de novo small in-frame deletions located nearby this variant have been reported in individuals with Snijders Blok-Campeau syndrome (see for example, p.Gly1109del in Snijders Blok et al. 2018. PubMed ID: 30397230; p.Ser1168del in Pascual. 2023. PubMed ID: 37761804; c.3780_3791delGATGATGCTGAC and c.3784_3786delATG in Drivas et al. 2020. PubMed ID: 32483341, reported as c.3603_3614del and c.3607_3609delATG, respectively, using a different transcript in Table S1). In summary, the c.3642_3647del (p.Ser1215_Asp1216del) variant is interpreted as likely pathogenic.